The following is an entry in ClinVar:

NM_001105206.3(LAMA4):c.219C>A (p.His73Gln)

Gene: LAMA4 (laminin subunit alpha 4; minus strand). Cytogenetic location: 6q21.
Variant type: single nucleotide variant.
Coding change: c.219C>A on transcript NM_001105206.3 (MANE Select); coding-DNA position 219, C replaced by A.
Protein change: p.His73Gln; replaces histidine 73 with glutamine.
Molecular consequence: missense variant.
Genome position (GRCh38, 1-based): chr6:112,216,446, G>T on the plus strand (C>A on the coding strand, the complement: LAMA4 is on the minus strand). VCF-style: chr6-112216446-G-T. GRCh37 (hg19) VCF-style: chr6-112537647-G-T.
Other names: c.219C>A, p.His73Gln (NM_001105207.3, NM_002290.5); short protein forms H73Q.
Identifiers: ClinVar variation 3866204 (VCV003866204.1).

ClinVar aggregate classification (germline): Uncertain significance (1 of 4 stars; one submission).

Conditions:
Cardiovascular phenotype. Identifiers: MedGen CN230736.

Submission:

Ambry Genetics
Classification: Uncertain significance for Cardiovascular phenotype. Last evaluated: 2024-12-14. Review status: criteria provided, single submitter. Criteria: Ambry Variant Classification Scheme 2023. Collection method: clinical testing. Allele origin: germline.
Comment: The p.H73Q variant (also known as c.219C>A), located in coding exon 2 of the LAMA4 gene, results from a C to A substitution at nucleotide position 219. The histidine at codon 73 is replaced by glutamine, an amino acid with highly similar properties. This amino acid position is conserved. In addition, this alteration is predicted to be tolerated by in silico analysis. Based on the available evidence, the clinical significance of this variant remains unclear.